The following is an entry in ClinVar:

NM_000129.4(F13A1):c.460_461insGC (p.Ile154fs)

Gene: F13A1 (coagulation factor XIII A chain; minus strand). Cytogenetic location: 6p25.1.
Variant type: Insertion.
Coding change: c.460_461insGC on transcript NM_000129.4 (MANE Select); coding-DNA positions 460 to 461, GC inserted.
Protein change: p.Ile154fs; shifts the reading frame from isoleucine 154.
Molecular consequence: frameshift variant.
Genome position: GRCh38 VCF-style: chr6-6266668-A-AGC. GRCh37 (hg19) VCF-style: chr6-6266901-A-AGC.
Other names: short protein forms I154fs.
Identifiers: ClinVar variation 1526251 (VCV001526251.1), dbSNP rs2113123881, ClinGen allele CA2573140731.
Genomic context (GRCh38, chr6:6,266,668, plus strand): 5'-CTGGTTCGAAGTACGCCATAGGGAGTCCAGACAGCAACATACATGCGGAATTTCCCCACA[A>AGC]TACATTTGGGGGAAGACTGGATGGACAGCCGCACAGACCTGTCCTCTCTCATGACAATCT-3'

ClinVar aggregate classification (germline): Pathogenic (1 of 4 stars; one submission).

Conditions:
Factor XIII, A subunit, deficiency of. Also called: Factor XIII subunit A deficiency. Identifiers: Orphanet 331, MedGen C2750514, MONDO:0013187, OMIM 613225, HP:0040233.

Submission:

3billion
Classification: Pathogenic for Factor XIII, A subunit, deficiency of. Last evaluated: 2022-03-22. Review status: criteria provided, single submitter. Criteria: ACMG Guidelines, 2015. Collection method: clinical testing. Allele origin: germline. Affected: yes. Observed: 1 homozygote.
Comment: Frameshift: predicted to result in a loss or disruption of normal protein function through nonsense-mediated decay (NMD) or protein truncation. Multiple pathogenic variants are reported downstream of the variant.It is not observed in the gnomAD v2.1.1 dataset. Therefore, this variant is classified as pathogenic according to the recommendation of ACMG/AMP guideline.